The following is an entry in ClinVar:

ClinVar aggregate classification (germline): Likely pathogenic (1 of 4 stars; one submission).

Conditions:
Usher syndrome type 2A. Also called: RETINAL DISEASE IN USHER SYNDROME TYPE IIA, MODIFIER OF; USHER SYNDROME, TYPE IIA. Identifiers: Orphanet 231178, Orphanet 886, MedGen C1848634, MONDO:0010169, OMIM 276901.

Submission:

Natera, Inc.
Classification: Likely pathogenic for Usher syndrome type 2A. Last evaluated: 2024-04-03. Review status: criteria provided, single submitter. Criteria: Natera Variant Classification Schema (03/2026). Collection method: clinical testing. Allele origin: germline.
Comment: The c.10160_10162delTTTinsG variant in USH2A is a frameshift variant predicted to shift the reading frame beginning at codon 3387 and leads to a stop codon 30 codons downstream. This variant is expected to result in nonsense mediated decay, truncation, or a dysfunctional protein product. This variant is rare in the general population with a frequency below the threshold expected for the associated phenotype(s). Given the available evidence, this variant is classified as Likely Pathogenic.

NM_206933.4(USH2A):c.10160_10162delinsG (p.Ile3387fs)

Gene: USH2A (usherin; minus strand). Cytogenetic location: 1q41.
Variant type: Indel.
Coding change: c.10160_10162delinsG on transcript NM_206933.4 (MANE Select); coding-DNA positions 10160 to 10162, TTT replaced by G.
Protein change: p.Ile3387fs; shifts the reading frame from isoleucine 3387.
Molecular consequence: frameshift variant.
Genome position (GRCh38, 1-based): chr1:215,790,079-215,790,081, AAA replaced by C on the plus strand (TTT replaced by G on the coding strand, the reverse complement: USH2A is on the minus strand). VCF-style: chr1-215790079-AAA-C. GRCh37 (hg19) VCF-style: chr1-215963421-AAA-C.
Other names: short protein forms I3387fs.
Identifiers: ClinVar variation 4817068 (VCV004817068.1).